The following is an entry in ClinVar:

ClinVar aggregate classification (germline): Uncertain significance (1 of 4 stars; one submission).

Submission:

Labcorp Genetics (formerly Invitae), Labcorp
Classification: Uncertain significance. Last evaluated: 2021-07-26. Review status: criteria provided, single submitter. Criteria: Invitae Variant Classification Sherloc (09022015). Collection method: clinical testing. Allele origin: germline.
Comment: Algorithms developed to predict the effect of missense changes on protein structure and function (SIFT, PolyPhen-2, Align-GVGD) all suggest that this variant is likely to be tolerated. In summary, the available evidence is currently insufficient to determine the role of this variant in disease. Therefore, it has been classified as a Variant of Uncertain Significance. Algorithms developed to predict the effect of sequence changes on RNA splicing suggest that this variant may create or strengthen a splice site. This variant has not been reported in the literature in individuals affected with CWC27-related conditions. This variant is not present in population databases (ExAC no frequency). This sequence change replaces aspartic acid with glutamic acid at codon 260 of the CWC27 protein (p.Asp260Glu). The aspartic acid residue is moderately conserved and there is a small physicochemical difference between aspartic acid and glutamic acid.

NM_005869.4(CWC27):c.780T>G (p.Asp260Glu)

Gene: CWC27 (CWC27 spliceosome associated cyclophilin; plus strand). Cytogenetic location: 5q12.3.
Variant type: single nucleotide variant.
Coding change: c.780T>G on transcript NM_005869.4 (MANE Select); coding-DNA position 780, T replaced by G.
Protein change: p.Asp260Glu; replaces aspartic acid 260 with glutamic acid.
Molecular consequence: missense variant.
Genome position (GRCh38, 1-based): chr5:64,801,332, T>G. VCF-style: chr5-64801332-T-G. GRCh37 (hg19) VCF-style: chr5-64097159-T-G.
Other names: c.780T>G, p.Asp260Glu (NM_001297644.1, NM_001297645.2, NM_001318000.2 and 1 more transcripts); short protein forms D260E.
Identifiers: ClinVar variation 1370078 (VCV001370078.6), dbSNP rs1744478053, ClinGen allele CA359832625.